The following is an entry in ClinVar:

ClinVar aggregate classification (germline): Benign. Review status: criteria provided, multiple submitters, no conflicts (2 of 4 stars). 2 submissions from 2 submitters: Benign (2). Last evaluated 2018-06-14.

Allele frequency attached by ClinVar (database versions not stated): gnomAD exomes 0.59613; 1000 Genomes Project 0.61861; 1000 Genomes Project 30x 0.62289; gnomAD 0.65765 and 0.66682; TOPMed 0.65820.
gnomAD v4.1: 495,362 of 814,442 alleles (61%); highest among the groups gnomAD compares: African/African-American, 83%; 154,403 homozygotes.

Submissions (2):

GeneDx
Classification: Benign. Last evaluated: 2018-06-14. Review status: criteria provided, single submitter. Criteria: GeneDx Variant Classification (06012015). Collection method: clinical testing. Allele origin: germline. Affected: yes.
Comment: This variant is considered likely benign or benign based on one or more of the following criteria: it is a conservative change, it occurs at a poorly conserved position in the protein, it is predicted to be benign by multiple in silico algorithms, and/or has population frequency not consistent with disease.

Breakthrough Genomics
Classification: Benign. Review status: criteria provided, single submitter. Criteria: ACMG Guidelines, 2015. Collection method: not provided. Allele origin: germline. Inheritance: Autosomal recessive inheritance. Affected: yes.

NM_000709.4(BCKDHA):c.484+149T>C

Gene: BCKDHA (branched chain keto acid dehydrogenase E1 subunit alpha; plus strand). Cytogenetic location: 19q13.2.
Variant type: single nucleotide variant.
Coding change: c.484+149T>C on transcript NM_000709.4 (MANE Select); 149 bases into the intron after coding-DNA position 484, T replaced by C.
Molecular consequence: intron variant.
Genome position (GRCh38, 1-based): chr19:41,414,306, T>C. VCF-style: chr19-41414306-T-C. GRCh37 (hg19) VCF-style: chr19-41920211-T-C.
Other names: c.484+149T>C (NM_001164783.2).
Identifiers: ClinVar variation 676107 (VCV000676107.2), dbSNP rs3213860, ClinGen allele CA15946676.